The following is an entry in ClinVar:

NM_145045.5(ODAD3):c.694C>T (p.Gln232Ter)

Gene: ODAD3 (outer dynein arm docking complex subunit 3; minus strand). Cytogenetic location: 19p13.2.
Variant type: single nucleotide variant.
Coding change: c.694C>T on transcript NM_145045.5 (MANE Select); coding-DNA position 694, C replaced by T.
Protein change: p.Gln232Ter; replaces glutamine 232 with a stop codon.
Molecular consequence: nonsense. On other transcripts: intron variant (1).
Genome position (GRCh38, 1-based): chr19:11,426,703, G>A on the plus strand (C>T on the coding strand, the complement: ODAD3 is on the minus strand). VCF-style: chr19-11426703-G-A. GRCh37 (hg19) VCF-style: chr19-11537523-G-A.
Other names: c.532C>T, p.Gln178Ter (NM_001302453.1); c.535-132C>T (NM_001302454.2); short protein forms Q178*, Q232*.
Identifiers: ClinVar variation 2921012 (VCV002921012.1), dbSNP rs2512482311, ClinGen allele CA404124178.
Genomic context (GRCh38, chr19:11,426,703, plus strand): 5'-TCCCTGTTTGTCATCTCACCCGAGCCCTCCTAGTCCCTACCATTAGATAGGCCTTGAGCT[G>A]CAGGTACACGCTGGTAATGTGCTCGGCCTCCTGCGCCTTCATCTGGGCCTTCTCCAGGCG-3'

ClinVar aggregate classification (germline): Likely pathogenic (1 of 4 stars; one submission).

Conditions:
Primary ciliary dyskinesia 30. Also called: CILIARY DYSKINESIA, PRIMARY, 30, WITH OR WITHOUT SITUS INVERSUS. Identifiers: Orphanet 244, MedGen C4015016, MONDO:0014465, OMIM 616037.

Submission:

ARUP Laboratories, Molecular Genetics and Genomics, ARUP Laboratories
Classification: Likely pathogenic for Primary ciliary dyskinesia 30. Last evaluated: 2023-08-15. Review status: criteria provided, single submitter. Criteria: ARUP Molecular Germline Variant Investigation Process 2024. Collection method: clinical testing. Allele origin: germline.
Comment: The ODAD3 c.694C>T; p.Gln232Ter variant, to our knowledge, is not reported in the medical literature or gene specific databases. This variant is absent from the Genome Aggregation Database, indicating it is not a common polymorphism. This variant induces an early termination codon and is predicted to result in a truncated protein or mRNA subject to nonsense-mediated decay. Based on available information, this variant is considered to be likely pathogenic.